The following is an entry in ClinVar:

NM_003072.5(SMARCA4):c.3547-25_3547-16delinsT

Gene: SMARCA4 (SWI/SNF related BAF chromatin remodeling complex subunit ATPase 4; plus strand). Cytogenetic location: 19p13.2.
Variant type: Indel.
Coding change: c.3547-25_3547-16delinsT on transcript NM_003072.5 (MANE Select); 25 bases into the intron before coding-DNA position 3547 through 16 bases into the intron before coding-DNA position 3547, GACTGACTGG replaced by T.
Molecular consequence: intron variant.
Genome position (GRCh38, 1-based): chr19:11,033,265-11,033,274, GACTGACTGG replaced by T. VCF-style: chr19-11033265-GACTGACTGG-T. GRCh37 (hg19) VCF-style: chr19-11143941-GACTGACTGG-T.
Other names: c.3547-25_3547-16delinsT (NM_001128844.3, NM_001128849.3, NM_001128847.4 and 6 more transcripts).
Identifiers: ClinVar variation 5042073 (VCV005042073.1).

ClinVar aggregate classification (germline): Likely benign (1 of 4 stars; one submission).

Conditions:
Rhabdoid tumor predisposition syndrome 2 (RTPS2). Identifiers: Orphanet 231108, Orphanet 69077, MedGen C2750074, MONDO:0013224, OMIM 613325.

Submission:

Myriad Genetics, Inc.
Classification: Likely benign for Rhabdoid tumor predisposition syndrome 2. Last evaluated: 2026-07-07. Review status: criteria provided, single submitter. Criteria: Myriad Autosomal Dominant, Autosomal Recessive and X-Linked Classification Criteria (2023). Collection method: clinical testing. Allele origin: unknown.
Comment: This variant is considered likely benign. This variant is intronic and is not expected to impact mRNA splicing.